The following is an entry in ClinVar:

ClinVar aggregate classification (germline): Uncertain significance (1 of 4 stars; one submission).

Conditions:
Neuropathy, hereditary sensory, type 1F. Also called: Hereditary sensory neuropathy type IF; HSN IF. Identifiers: Orphanet 36386, MedGen C3810194, MONDO:0014286, OMIM 615632.

gnomAD v4.1: 2 of 1,614,078 alleles (0.00012%); highest among the groups gnomAD compares: Non-Finnish European, 0.00017%; no homozygotes.

Submission:

Labcorp Genetics (formerly Invitae), Labcorp
Classification: Uncertain significance for Neuropathy, hereditary sensory, type 1F. Last evaluated: 2022-10-18. Review status: criteria provided, single submitter. Criteria: Invitae Variant Classification Sherloc (09022015). Collection method: clinical testing. Allele origin: germline.
Comment: In summary, the available evidence is currently insufficient to determine the role of this variant in disease. Therefore, it has been classified as a Variant of Uncertain Significance. Advanced modeling of protein sequence and biophysical properties (such as structural, functional, and spatial information, amino acid conservation, physicochemical variation, residue mobility, and thermodynamic stability) performed at Invitae indicates that this missense variant is not expected to disrupt ATL3 protein function. This variant has not been reported in the literature in individuals affected with ATL3-related conditions. This variant is present in population databases (rs759377612, gnomAD 0.002%). This sequence change replaces lysine, which is basic and polar, with asparagine, which is neutral and polar, at codon 315 of the ATL3 protein (p.Lys315Asn).

NM_015459.5(ATL3):c.945G>T (p.Lys315Asn)

Genes: ATL3 (atlastin GTPase 3; minus strand), LNCROPM (lncRNA regulator of PLAAT3 mediated phospholipid metabolism; plus strand). Cytogenetic location: 11q13.1.
Variant type: single nucleotide variant.
Coding change: c.945G>T on transcript NM_015459.5 (MANE Select); coding-DNA position 945, G replaced by T.
Protein change: p.Lys315Asn; replaces lysine 315 with asparagine.
Molecular consequence: missense variant.
Genome position (GRCh38, 1-based): chr11:63,636,240, C>A on the plus strand (G>T on the coding strand, the complement: ATL3 is on the minus strand). VCF-style: chr11-63636240-C-A. GRCh37 (hg19) VCF-style: chr11-63403712-C-A.
Other names: c.891G>T, p.Lys297Asn (NM_001290048.2); short protein forms K297N, K315N.
Identifiers: ClinVar variation 1721802 (VCV001721802.5), dbSNP rs759377612, ClinGen allele CA6063648.